The following is an entry in ClinVar:

ClinVar aggregate classification (germline): Benign/Likely benign. Review status: criteria provided, multiple submitters, no conflicts (2 of 4 stars). 4 submissions from 4 submitters: Benign (1); Likely benign (3). Last evaluated 2025-12-22.

Conditions:
Wolfram syndrome 1 (WFS1). Identifiers: Orphanet 3463, MedGen C4551693, MONDO:0009101, OMIM 222300.

Allele frequency attached by ClinVar (database versions not stated): ESP Exome Variant Server 0.00008; ExAC 0.00009; gnomAD 0.00009; TOPMed 0.00014; gnomAD exomes 0.00003.
gnomAD v4.1: 55 of 1,553,394 alleles (0.0035%); highest among the groups gnomAD compares: African/African-American, 0.022%; no homozygotes.

Submissions (4):

Labcorp Genetics (formerly Invitae), Labcorp
Classification: Likely benign. Last evaluated: 2025-12-22. Review status: criteria provided, single submitter. Criteria: Invitae Variant Classification Sherloc (09022015). Collection method: clinical testing. Allele origin: germline.

Blueprint Genetics
Classification: Likely benign. Last evaluated: 2024-09-09. Review status: criteria provided, single submitter. Criteria: ACMG Guidelines, 2015. Collection method: clinical testing. Allele origin: germline.

GeneDx
Classification: Likely benign. Last evaluated: 2018-06-08. Review status: criteria provided, single submitter. Criteria: GeneDx Variant Classification (06012015). Collection method: clinical testing. Allele origin: germline. Affected: yes.
Comment: This variant is considered likely benign or benign based on one or more of the following criteria: it is a conservative change, it occurs at a poorly conserved position in the protein, it is predicted to be benign by multiple in silico algorithms, and/or has population frequency not consistent with disease.

Clinical Genomics, Uppaluri K&H Personalized Medicine Clinic
Classification: Benign for Wolfram syndrome 1. Review status: criteria provided, single submitter. Criteria: K & H Uppaluri Personalized Medicine Clinic Variant Classification & Assertion Criteria_Updated V.1. Collection method: research. Allele origin: unknown. Inheritance: Autosomal recessive inheritance.
Comment: Potent mutations in WFS1 gene are associated with Wolfram's syndrome, an autosomal recessive condition, which cause diabetes mellitus, diabetes insipidus, deafness and optic atrophy. However no sufficient evidence is found to ascertain the role of this particular variant rs370922505 in Wolfram's syndrome yet.

Literature cited by the submitters: PubMed 20738327 (cited by Clinical Genomics, Uppaluri K&H Personalized Medicine Clinic); PubMed 33879153 (cited by Clinical Genomics, Uppaluri K&H Personalized Medicine Clinic); PubMed 12955714 (cited by Clinical Genomics, Uppaluri K&H Personalized Medicine Clinic); PubMed 18060660 (cited by Clinical Genomics, Uppaluri K&H Personalized Medicine Clinic); PubMed 20301750 (cited by Clinical Genomics, Uppaluri K&H Personalized Medicine Clinic); PubMed 17603484 (cited by Clinical Genomics, Uppaluri K&H Personalized Medicine Clinic).

NM_006005.3(WFS1):c.315+12G>A

Gene: WFS1 (wolframin ER transmembrane glycoprotein; plus strand). Cytogenetic location: 4p16.1.
Variant type: single nucleotide variant.
Coding change: c.315+12G>A on transcript NM_006005.3 (MANE Select); 12 bases into the intron after coding-DNA position 315, G replaced by A.
Molecular consequence: intron variant.
Genome position (GRCh38, 1-based): chr4:6,287,187, G>A. VCF-style: chr4-6287187-G-A. GRCh37 (hg19) VCF-style: chr4-6288914-G-A.
Other names: c.315+12G>A (NM_001145853.1).
Identifiers: ClinVar variation 668499 (VCV000668499.10), dbSNP rs370922505, ClinGen allele CA2838841.